The following is an entry in ClinVar:

ClinVar aggregate classification (germline): Likely pathogenic (1 of 4 stars; one submission).

Conditions:
Sulfite oxidase deficiency. Also called: Isolated sulfite oxidase deficiency. Identifiers: Orphanet 833, Orphanet 99731, MedGen C0268624, MONDO:0010089, OMIM 272300, HP:0003643.

gnomAD v4.1: 3 of 1,614,072 alleles (0.00019%); highest among the groups gnomAD compares: Non-Finnish European, 0.00017%; no homozygotes.

Submission:

Labcorp Genetics (formerly Invitae), Labcorp
Classification: Likely pathogenic for Sulfite oxidase deficiency. Last evaluated: 2026-01-13. Review status: criteria provided, single submitter. Criteria: Invitae Variant Classification Sherloc (09022015). Collection method: clinical testing. Allele origin: germline.
Comment: This sequence change replaces aspartic acid, which is acidic and polar, with glycine, which is neutral and non-polar, at codon 461 of the SUOX protein (p.Asp461Gly). This variant is present in population databases (no rsID available, gnomAD 0.0009%). This variant has not been reported in the literature in individuals affected with SUOX-related conditions. Invitae Evidence Modeling of protein sequence and biophysical properties (such as structural, functional, and spatial information, amino acid conservation, physicochemical variation, residue mobility, and thermodynamic stability) indicates that this missense variant is expected to disrupt SUOX protein function with a positive predictive value of 95%. This variant disrupts the p.Asp461 amino acid residue in SUOX. Other variant(s) that disrupt this residue have been determined to be pathogenic (PMID: 31806255). This suggests that this residue is clinically significant, and that variants that disrupt this residue are likely to be disease-causing. In summary, the currently available evidence indicates that the variant is pathogenic, but additional data are needed to prove that conclusively. Therefore, this variant has been classified as Likely Pathogenic.

Literature cited by the submitters: PubMed 31806255.

NM_001032386.2(SUOX):c.1382A>G (p.Asp461Gly)

Gene: SUOX (sulfite oxidase; plus strand). Cytogenetic location: 12q13.2.
Variant type: single nucleotide variant.
Coding change: c.1382A>G on transcript NM_001032386.2 (MANE Select); coding-DNA position 1382, A replaced by G.
Protein change: p.Asp461Gly; replaces aspartic acid 461 with glycine.
Molecular consequence: missense variant.
Genome position (GRCh38, 1-based): chr12:56,004,771, A>G. VCF-style: chr12-56004771-A-G. GRCh37 (hg19) VCF-style: chr12-56398555-A-G.
Other names: c.1382A>G, p.Asp461Gly (NM_000456.3, NM_001032387.2); short protein forms D461G.
Identifiers: ClinVar variation 4698746 (VCV004698746.1).
Genomic context (GRCh38, chr12:56,004,771, plus strand): 5'-GGGAGGTGACCATCAAGGGCTATGCATGGAGTGGTGGTGGCAGGGCTGTGATCCGGGTGG[A>G]TGTGTCTCTGGATGGGGGCCTAACCTGGCAGGTGGCTAAGCTGGATGGAGAGGAACAGCG-3'
Protein context (NP_001027558.1, residues 451-471): SGGGRAVIRV[Asp461Gly]VSLDGGLTWQ